The following is an entry in ClinVar:

ClinVar aggregate classification (germline): Uncertain significance (1 of 4 stars; one submission).

Conditions:
Cardiomyopathy (CMYO). Also called: Cardiomyopathies. Identifiers: Orphanet 167848, MedGen C0878544, MONDO:0004994, HP:0001638. Inheritance: Various modes of inheritance.

gnomAD v4.1: 1 of 1,612,046 alleles (0.000062%); highest among the groups gnomAD compares: Non-Finnish European, 0.000085%; no homozygotes.

Submission:

Color Diagnostics, LLC DBA Color Health
Classification: Uncertain significance for Cardiomyopathy. Last evaluated: 2024-03-06. Review status: criteria provided, single submitter. Criteria: ACMG Guidelines, 2015. Collection method: clinical testing. Allele origin: germline.
Comment: This missense variant replaces methionine with threonine at codon 2681 of the RYR2 protein. Computational prediction suggests that this variant may not impact protein structure and function (internally defined REVEL score threshold <= 0.5, PMID: 27666373). To our knowledge, functional studies have not been reported for this variant. This variant has not been reported in individuals affected with cardiovascular disorders in the literature. This variant has not been identified in the general population by the Genome Aggregation Database (gnomAD). The available evidence is insufficient to determine the role of this variant in disease conclusively. Therefore, this variant is classified as a Variant of Uncertain Significance.

NM_001035.3(RYR2):c.8042T>C (p.Met2681Thr)

Gene: RYR2 (ryanodine receptor 2; plus strand). Cytogenetic location: 1q43.
Variant type: single nucleotide variant.
Coding change: c.8042T>C on transcript NM_001035.3 (MANE Select); coding-DNA position 8042, T replaced by C.
Protein change: p.Met2681Thr; replaces methionine 2681 with threonine.
Molecular consequence: missense variant.
Genome position (GRCh38, 1-based): chr1:237,655,897, T>C. VCF-style: chr1-237655897-T-C. GRCh37 (hg19) VCF-style: chr1-237819197-T-C.
Other names: short protein forms M2681T.
Identifiers: ClinVar variation 1332041 (VCV001332041.3), dbSNP rs2148823470, ClinGen allele CA345400887.